The following is an entry in ClinVar:

NM_007294.4(BRCA1):c.4484+5G>T

Gene: BRCA1 (BRCA1 DNA repair associated; minus strand). Cytogenetic location: 17q21.31.
Variant type: single nucleotide variant.
Coding change: c.4484+5G>T on transcript NM_007294.4 (MANE Select); 5 bases into the intron after coding-DNA position 4484, G replaced by T.
Molecular consequence: intron variant.
Genome position (GRCh38, 1-based): chr17:43,076,483, C>A on the plus strand (G>T on the coding strand, the complement: BRCA1 is on the minus strand). VCF-style: chr17-43076483-C-A. GRCh37 (hg19) VCF-style: chr17-41228500-C-A.
Other names: c.1031+5G>T (NM_001408458.1, NM_001408461.1, NM_001408464.1 and 7 more transcripts); c.3593+5G>T (NM_001407967.1); c.4103+5G>T (NM_001407959.1); c.4217+5G>T (NM_001407931.1, NM_001407932.1, NM_001407928.1 and 4 more transcripts); c.4340+5G>T (NM_001407747.1, NM_001407745.1, NM_001407737.1 and 21 more transcripts); c.4100+5G>T (NM_001407962.1, NM_001407960.1); c.671+5G>T (NM_001408512.1); c.794+5G>T (NM_001408510.1); and 71 more.
Identifiers: ClinVar variation 482948 (VCV000482948.9), dbSNP rs886040910, ClinGen allele CA658656640.

ClinVar aggregate classification (germline): Conflicting classifications of pathogenicity. Review status: criteria provided, conflicting classifications (1 of 4 stars). 2 submissions from 2 submitters: Likely pathogenic (1); Uncertain significance (1). Last evaluated 2026-02-09.

Conditions:
Hereditary cancer-predisposing syndrome. Also called: Tumor predisposition; Hereditary Cancer Syndrome; Neoplastic Syndromes, Hereditary; Hereditary neoplastic syndrome. Identifiers: Orphanet 140162, MedGen C0027672, MeSH D009386, MONDO:0015356.

Submissions (2):

Ambry Genetics
Classification: Uncertain significance for Hereditary cancer-predisposing syndrome. Last evaluated: 2026-02-09. Review status: criteria provided, single submitter. Criteria: Ambry Variant Classification Scheme 2023. Collection method: clinical testing. Allele origin: germline.
Comment: The c.4484+5G>T intronic variant results from a G to T substitution 5 nucleotides after coding exon 12 in the BRCA1 gene. This nucleotide position is well conserved in available vertebrate species. In silico splice site analysis predicts that this alteration may weaken the native splice donor site. Based on the available evidence, the clinical significance of this variant remains unclear.

Color Diagnostics, LLC DBA Color Health
Classification: Likely pathogenic for Hereditary cancer-predisposing syndrome. Last evaluated: 2021-11-18. Review status: criteria provided, single submitter. Criteria: ACMG Guidelines, 2015. Collection method: clinical testing. Allele origin: germline.
Comment: This variant causes a conserved G nucleotide substitution to T at the +5 position of intron 13 of the BRCA1 gene. Splice site prediction tools are inconclusive regarding the impact of this variant on RNA splicing. Other nucleotide substitutions at this position, c.4484+5G>A and c.4484+5G>C, have been reported to result in the out-of-frame skipping of exon 13, and have been observed in a family affected with hereditary breast and ovarian cancer (PMID: 31343793) and in a tumor sample from an individual affected with ovarian cancer (PMID: 32124385). Based on this observation, the c.4484+5G>T variant is also expected to impair RNA splicing, although this variant has not been reported in published RNA studies. This variant has not been identified in the general population by the Genome Aggregation Database (gnomAD). Based on the available evidence, this variant is classified as Likely Pathogenic.

Literature cited by the submitters: PubMed 31343793 (cited by Color Diagnostics, LLC DBA Color Health); PubMed 32124385 (cited by Color Diagnostics, LLC DBA Color Health).